The following is an entry in ClinVar:

NM_002272.4(KRT4):c.-54A>T

Gene: KRT4 (keratin 4; minus strand). Cytogenetic location: 12q13.13.
Variant type: single nucleotide variant.
Coding change: c.-54A>T on transcript NM_002272.4 (MANE Select); 54 bases upstream of the start codon, A replaced by T.
Molecular consequence: 5 prime UTR variant.
Genome position (GRCh38, 1-based): chr12:52,814,112, T>A on the plus strand (A>T on the coding strand, the complement: KRT4 is on the minus strand). VCF-style: chr12-52814112-T-A. GRCh37 (hg19) VCF-style: chr12-53207896-T-A.
Identifiers: ClinVar variation 309716 (VCV000309716.5), dbSNP rs369760401, ClinGen allele CA6588884.

ClinVar aggregate classification (germline): Likely benign (1 of 4 stars; one submission).

Conditions:
White sponge nevus 1. Also called: LEUKOKERATOSIS, HEREDITARY MUCOSAL. Identifiers: MedGen C4011926, MONDO:0008676, OMIM 193900.

Allele frequency attached by ClinVar (database versions not stated): gnomAD 0.00001; gnomAD exomes 0.00001 and 0.00002; TOPMed 0.00002; ExAC 0.00003; ESP Exome Variant Server 0.00008.
gnomAD v4.1: 22 of 1,613,930 alleles (0.0014%); highest among the groups gnomAD compares: Non-Finnish European, 0.0019%; no homozygotes.

Submission:

Illumina Laboratory Services, Illumina
Classification: Likely benign for White sponge nevus 1. Last evaluated: 2018-01-13. Review status: criteria provided, single submitter. Criteria: ICSL Variant Classification Criteria 13 December 2019. Collection method: clinical testing. Allele origin: germline.
Comment: This variant was observed in the ICSL laboratory as part of a predisposition screen in an ostensibly healthy population. It had not been previously curated by ICSL or reported in the Human Gene Mutation Database (HGMD: prior to June 1st, 2018), and was therefore a candidate for classification through an automated scoring system. Utilizing variant allele frequency, disease prevalence and penetrance estimates, and inheritance mode, an automated score was calculated to assess if this variant is too frequent to cause the disease. Based on the score and internal cut-off values, a variant classified as likely benign is not then subjected to further curation. The score for this variant resulted in a classification of likely benign for this disease.